The following is an entry in ClinVar:

ClinVar aggregate classification (germline): Uncertain significance. Review status: criteria provided, multiple submitters, no conflicts (2 of 4 stars). 2 submissions from 2 submitters: Uncertain significance (2). Last evaluated 2025-07-22.

Conditions:
Inborn genetic diseases. Identifiers: MedGen C0950123, MeSH D030342.

Submissions (2):

Labcorp Genetics (formerly Invitae), Labcorp
Classification: Uncertain significance. Last evaluated: 2025-07-22. Review status: criteria provided, single submitter. Criteria: Invitae Variant Classification Sherloc (09022015). Collection method: clinical testing. Allele origin: germline.
Comment: This sequence change replaces aspartic acid, which is acidic and polar, with glutamic acid, which is acidic and polar, at codon 368 of the NEFH protein (p.Asp368Glu). This variant is present in population databases (rs770091029, gnomAD 0.003%). This variant has not been reported in the literature in individuals affected with NEFH-related conditions. Invitae Evidence Modeling of protein sequence and biophysical properties (such as structural, functional, and spatial information, amino acid conservation, physicochemical variation, residue mobility, and thermodynamic stability) indicates that this missense variant is not expected to disrupt NEFH protein function with a negative predictive value of 95%. In summary, the available evidence is currently insufficient to determine the role of this variant in disease. Therefore, it has been classified as a Variant of Uncertain Significance.

Ambry Genetics
Classification: Uncertain significance for Inborn genetic diseases. Last evaluated: 2025-06-25. Review status: criteria provided, single submitter. Criteria: Ambry Variant Classification Scheme 2023. Collection method: clinical testing. Allele origin: germline.

NM_021076.4(NEFH):c.1104C>G (p.Asp368Glu)

Gene: NEFH (neurofilament heavy chain; plus strand). Cytogenetic location: 22q12.2.
Variant type: single nucleotide variant.
Coding change: c.1104C>G on transcript NM_021076.4 (MANE Select); coding-DNA position 1104, C replaced by G.
Protein change: p.Asp368Glu; replaces aspartic acid 368 with glutamic acid.
Molecular consequence: missense variant.
Genome position (GRCh38, 1-based): chr22:29,485,743, C>G. VCF-style: chr22-29485743-C-G. GRCh37 (hg19) VCF-style: chr22-29881732-C-G.
Other names: short protein forms D368E.
Identifiers: ClinVar variation 4118545 (VCV004118545.2).